The following is an entry in ClinVar:

NM_004364.5(CEBPA):c.607_608delinsTT (p.Ala203Phe)

Gene: CEBPA (CCAAT enhancer binding protein alpha; minus strand). Cytogenetic location: 19q13.11.
Variant type: Indel.
Coding change: c.607_608delinsTT on transcript NM_004364.5 (MANE Select); coding-DNA positions 607 to 608, GC replaced by TT.
Protein change: p.Ala203Phe; replaces alanine 203 with phenylalanine.
Molecular consequence: missense variant.
Genome position (GRCh38, 1-based): chr19:33,301,807-33,301,808, GC replaced by AA on the plus strand (GC replaced by TT on the coding strand, the reverse complement: CEBPA is on the minus strand). VCF-style: chr19-33301807-GC-AA. GRCh37 (hg19) VCF-style: chr19-33792713-GC-AA.
Other names: c.250_251delinsTT, p.Ala84Phe (NM_001285829.2); c.712_713delinsTT, p.Ala238Phe (NM_001287424.2); c.565_566delinsTT, p.Ala189Phe (NM_001287435.2); short protein forms A238F, A189F, A203F, A84F.
Identifiers: ClinVar variation 2997484 (VCV002997484.3), dbSNP rs2513330055, ClinGen allele CA2740091979.

ClinVar aggregate classification (germline): Uncertain significance (1 of 4 stars; one submission).

Conditions:
Acute myeloid leukemia (AML). Also called: Acute myeloid leukemia, adult; AML adult; Acute non-lymphocytic leukemia; Acute granulocytic leukemia; Leukemia, acute myeloid, somatic; Leukemia, acute myelogenous, somatic. Identifiers: Orphanet 519, MedGen C0023467, MeSH D015470, MONDO:0018874, OMIM 601626, HP:0004808. Disease mechanism: Constitutively activated FLT3.

Submission:

Labcorp Genetics (formerly Invitae), Labcorp
Classification: Uncertain significance for Acute myeloid leukemia. Last evaluated: 2023-07-08. Review status: criteria provided, single submitter. Criteria: Invitae Variant Classification Sherloc (09022015). Collection method: clinical testing. Allele origin: germline.
Comment: This sequence change replaces alanine, which is neutral and non-polar, with phenylalanine, which is neutral and non-polar, at codon 203 of the CEBPA protein (p.Ala203Phe). Information on the frequency of this variant in the gnomAD database is not available, as this variant may be reported differently in the database. This variant has not been reported in the literature in individuals affected with CEBPA-related conditions. An algorithm developed to predict the effect of missense changes on protein structure and function (PolyPhen-2) suggests that this variant is likely to be disruptive. In summary, the available evidence is currently insufficient to determine the role of this variant in disease. Therefore, it has been classified as a Variant of Uncertain Significance.